The following is an entry in ClinVar:

NM_001080477.4(TENM3):c.3717T>A (p.Tyr1239Ter)

Gene: TENM3 (teneurin transmembrane protein 3; plus strand). Cytogenetic location: 4q35.1.
Variant type: single nucleotide variant.
Coding change: c.3717T>A on transcript NM_001080477.4 (MANE Select); coding-DNA position 3717, T replaced by A.
Protein change: p.Tyr1239Ter; replaces tyrosine 1239 with a stop codon.
Molecular consequence: nonsense.
Genome position (GRCh38, 1-based): chr4:182,751,887, T>A. VCF-style: chr4-182751887-T-A. GRCh37 (hg19) VCF-style: chr4-183673040-T-A.
Other names: c.2949T>A, p.Tyr983Ter (NM_001415960.1); c.2922T>A, p.Tyr974Ter (NM_001415961.1); c.2919T>A, p.Tyr973Ter (NM_001415962.1); c.2901T>A, p.Tyr967Ter (NM_001415963.1); c.2898T>A, p.Tyr966Ter (NM_001415964.1); c.3435T>A, p.Tyr1145Ter (NM_001415966.1); c.3459T>A, p.Tyr1153Ter (NM_001415967.1); c.3735T>A, p.Tyr1245Ter (NM_001415968.1); and 4 more; short protein forms Y1145*, Y1146*, Y1153*, Y1238*, Y1239*, Y1245*, Y1246*, Y966*.
Identifiers: ClinVar variation 4880558 (VCV004880558.2).
Genomic context (GRCh38, chr4:182,751,887, plus strand): 5'-TGCAACGGATCCAGTCACGGGAGATCTGTACGTTTCTGACACAAACACCCGCAGAATTTA[T>A]CGCCCAAAGTCACTTACGGGGGCAAAAGACTTGACTAAAAATGCAGAAGTCGTCGCAGGG-3'

ClinVar aggregate classification (germline): Likely pathogenic (1 of 4 stars; one submission).

Submission:

Dasa
Classification: Likely pathogenic. Last evaluated: 2024-09-12. Review status: criteria provided, single submitter. Criteria: DASA Assertion Criteria. Collection method: clinical testing. Allele origin: germline.
Comment: NM_001080477.4(TENM3):c.3717T>A (p.Tyr1239*) is a nonsense variant in TENM3 predicted to introduce a premature termination codon and is predicted to result in an absent or altered protein product. Loss of function is an established disease mechanism for TENM3-associated disorders. Also, this variant is absent from population databases. Based on the currently available evidence, this variant is classified as likely pathogenic.